The following is an entry in ClinVar:

NM_001081.4(CUBN):c.6613G>A (p.Gly2205Arg)

Gene: CUBN (cubilin; minus strand). Cytogenetic location: 10p13.
Variant type: single nucleotide variant.
Coding change: c.6613G>A on transcript NM_001081.4 (MANE Select); coding-DNA position 6613, G replaced by A.
Protein change: p.Gly2205Arg; replaces glycine 2205 with arginine.
Molecular consequence: missense variant.
Genome position (GRCh38, 1-based): chr10:16,925,274, C>T on the plus strand (G>A on the coding strand, the complement: CUBN is on the minus strand). VCF-style: chr10-16925274-C-T. GRCh37 (hg19) VCF-style: chr10-16967273-C-T.
Other names: short protein forms G2205R.
Identifiers: ClinVar variation 439577 (VCV000439577.40), dbSNP rs140883483, ClinGen allele CA5423634.

ClinVar aggregate classification (germline): Uncertain significance. Review status: criteria provided, multiple submitters, no conflicts (2 of 4 stars). 5 submissions from 5 submitters: Uncertain significance (5). Last evaluated 2025-10-24.

Conditions:
Proteinuria, chronic benign. Identifiers: MedGen C5394384, MONDO:0030042, OMIM 618884.
Imerslund-Grasbeck syndrome type 1 (IGS1). Also called: Imerslund-Gräsbeck syndrome 1; MEGALOBLASTIC ANEMIA, 1; Megaloblastic anemia 1, Finnish type. Identifiers: MedGen C4016819, MONDO:0100156, OMIM 261100.
Imerslund-Grasbeck syndrome. Also called: Imerslund-Gräsbeck syndrome; Megaloblastic anemia due to inborn errors of metabolism; PERNICIOUS ANEMIA, JUVENILE, DUE TO SELECTIVE INTESTINAL MALABSORPTION OF VITAMIN B12, WITH PROTEINURIA; ENTEROCYTE COBALAMIN MALABSORPTION; ENTEROCYTE INTRINSIC FACTOR RECEPTOR, DEFECT OF. Identifiers: Orphanet 35858, MedGen C4551825, MONDO:0009853.
Inborn genetic diseases. Identifiers: MedGen C0950123, MeSH D030342.

Allele frequency attached by ClinVar (database versions not stated): ExAC 0.00007; gnomAD 0.00007 and 0.00008; gnomAD exomes 0.00010 and 0.00022; TOPMed 0.00013; ESP Exome Variant Server 0.00015.
gnomAD v4.1: 330 of 1,613,488 alleles (0.02%); highest among the groups gnomAD compares: Non-Finnish European, 0.026%; no homozygotes.

Submissions (5):

Ambry Genetics
Classification: Uncertain significance for Inborn genetic diseases. Last evaluated: 2025-10-24. Review status: criteria provided, single submitter. Criteria: Ambry Variant Classification Scheme 2023. Collection method: clinical testing. Allele origin: germline.

Fulgent Genetics
Classification: Uncertain significance for Imerslund-Grasbeck syndrome type 1; Proteinuria, chronic benign. Last evaluated: 2024-06-23. Review status: criteria provided, single submitter. Criteria: ACMG Guidelines, 2015. Collection method: clinical testing. Allele origin: germline.

CeGaT Center for Human Genetics Tuebingen
Classification: Uncertain significance. Last evaluated: 2023-12-01. Review status: criteria provided, single submitter. Criteria: CeGaT Center For Human Genetics Tuebingen Variant Classification Criteria Version 2. Collection method: clinical testing. Allele origin: germline. Affected: yes. Observed: 1 variant allele.
Comment: CUBN: PM2

Labcorp Genetics (formerly Invitae), Labcorp
Classification: Uncertain significance for Imerslund-Grasbeck syndrome. Last evaluated: 2021-09-01. Review status: criteria provided, single submitter. Criteria: Invitae Variant Classification Sherloc (09022015). Collection method: clinical testing. Allele origin: germline.
Comment: This sequence change replaces glycine with arginine at codon 2205 of the CUBN protein (p.Gly2205Arg). The glycine residue is highly conserved and there is a moderate physicochemical difference between glycine and arginine. This variant is present in population databases (rs140883483, ExAC 0.01%). This variant has not been reported in the literature in individuals affected with CUBN-related conditions. ClinVar contains an entry for this variant (Variation ID: 439577). Algorithms developed to predict the effect of missense changes on protein structure and function (SIFT, PolyPhen-2, Align-GVGD) all suggest that this variant is likely to be disruptive. In summary, the available evidence is currently insufficient to determine the role of this variant in disease. Therefore, it has been classified as a Variant of Uncertain Significance.

ARUP Laboratories, Molecular Genetics and Genomics, ARUP Laboratories
Classification: Uncertain significance. Last evaluated: 2016-08-02. Review status: criteria provided, single submitter. Criteria: ARUP Molecular Germline Variant Investigation Process. Collection method: clinical testing. Allele origin: germline.